The following is an entry in ClinVar:

ClinVar aggregate classification (germline): Uncertain significance (1 of 4 stars; one submission).

Conditions:
RASopathy. Also called: rasopathies; Noonan spectrum disorder. Identifiers: Orphanet 536391, MedGen C5555857, MONDO:0021060.

gnomAD v4.1: 2 of 1,614,056 alleles (0.00012%); highest among the groups gnomAD compares: East Asian, 0.0022%; no homozygotes.

Submission:

Labcorp Genetics (formerly Invitae), Labcorp
Classification: Uncertain significance for RASopathy. Last evaluated: 2025-08-25. Review status: criteria provided, single submitter. Criteria: Invitae Variant Classification Sherloc (09022015). Collection method: clinical testing. Allele origin: germline.
Comment: This sequence change replaces arginine, which is basic and polar, with cysteine, which is neutral and slightly polar, at codon 59 of the RAF1 protein (p.Arg59Cys). This variant is not present in population databases (gnomAD no frequency). This variant has not been reported in the literature in individuals affected with RAF1-related conditions. Invitae Evidence Modeling incorporating data from in vitro experimental studies (internal data) indicates that this missense variant is not expected to disrupt RAF1 function with a negative predictive value of 95%. In summary, the available evidence is currently insufficient to determine the role of this variant in disease. Therefore, it has been classified as a Variant of Uncertain Significance.

NM_002880.4(RAF1):c.175C>T (p.Arg59Cys)

Gene: RAF1 (Raf-1 proto-oncogene, serine/threonine kinase; minus strand). Cytogenetic location: 3p25.2.
Variant type: single nucleotide variant.
Coding change: c.175C>T on transcript NM_002880.4 (MANE Select); coding-DNA position 175, C replaced by T.
Protein change: p.Arg59Cys; replaces arginine 59 with cysteine.
Molecular consequence: missense variant. On other transcripts: synonymous variant (4), non-coding transcript variant (3).
Genome position (GRCh38, 1-based): chr3:12,618,547, G>A on the plus strand (C>T on the coding strand, the complement: RAF1 is on the minus strand). VCF-style: chr3-12618547-G-A. GRCh37 (hg19) VCF-style: chr3-12660046-G-A.
Other names: c.175C>T, p.Arg59Cys (NM_001354689.3, NM_001354690.3, NM_001354693.3); c.45C>T, p.Ser15= (NM_001354691.3, NM_001354692.3, NM_001354694.3 and 1 more transcripts); short protein forms R59C.
Identifiers: ClinVar variation 4736740 (VCV004736740.1).
Genomic context (GRCh38, chr3:12,618,547, plus strand): 5'-AAATTTCCTAAGTAGAATGTTCACATACCACTGTTCTTTGCTTGTTCGGCAAGAAAACAC[G>A]GATAGTGTTGCTTGTCTTAGAAGGATCTGTGAGTTTGCCATCATCTGATGCCCGGCGCTG-3'
Protein context (NP_002871.1, residues 49-69): TDPSKTSNTI[Arg59Cys]VFLPNKQRTV